The following is an entry in ClinVar:

ClinVar aggregate classification (germline): Pathogenic (1 of 4 stars; one submission).

Conditions:
CHARGE syndrome (CHARGE). Also called: Coloboma, heart anomaly, choanal atresia, retardation, genital and ear anomalies; CHARGE association; Hall-Hittner syndrome; CHARGE ASSOCIATION--COLOBOMA, HEART ANOMALY, CHOANAL ATRESIA, RETARDATION, GENITAL AND EAR ANOMALIES; Hittner Hirsch Kreh syndrome. Identifiers: Orphanet 138, MedGen C0265354, MONDO:0008965.

Submission:

Labcorp Genetics (formerly Invitae), Labcorp
Classification: Pathogenic for CHARGE syndrome. Last evaluated: 2015-05-28. Review status: criteria provided, single submitter. Criteria: Invitae Variant Classification Sherloc (09022015). Collection method: clinical testing. Allele origin: germline.
Comment: This sequence change deletes 1 nucleotide from exon 35 of the CHD7 mRNA (c.7663delA), causing a frameshift at codon 2555. This creates a premature translational stop signal (p.Arg2555Glufs*37) and is expected to result in an absent or disrupted protein product. While this particular variant has not been reported in the literature, truncating variants in CHD7 are known to be pathogenic (PMID: 22461308). For these reasons, this variant has been classified as Pathogenic.

Literature cited by the submitters: PubMed 22461308.

NM_017780.4(CHD7):c.7663del (p.Arg2555fs)

Gene: CHD7 (chromodomain helicase DNA binding protein 7; plus strand). Cytogenetic location: 8q12.2.
Variant type: Deletion.
Coding change: c.7663del on transcript NM_017780.4 (MANE Select); coding-DNA position 7663, one base deleted (A; older notation c.7663delA).
Protein change: p.Arg2555fs; shifts the reading frame from arginine 2555.
Molecular consequence: frameshift variant. On other transcripts: intron variant (1).
Genome position (GRCh38, 1-based): chr8:60,860,958, A deleted; the last of 2 consecutive A bases (chr8:60,860,957-60,860,958); deleting either gives the same sequence. VCF-style (leftmost placement, unchanged base first): chr8-60860956-CA-C. GRCh37 (hg19) VCF-style: chr8-61773515-CA-C.
Other names: c.1717-1271del (NM_001316690.1); short protein forms R2555fs.
Identifiers: ClinVar variation 216875 (VCV000216875.8), dbSNP rs863224843, ClinGen allele CA338569.
Genomic context (GRCh38, chr8:60,860,956, plus strand): 5'-TTCTGCAGGAGGATGCTGAGGTGACCAAAGCTTTTGAAGAAGATATAGAGACCCCACCAA[CA>C]AGAAACATTCCTTCTCCCGGACAGCTGGACCCAGACACACGGATCCCTGTTATCAATCTT-3'